The following is an entry in ClinVar:

NM_000395.3(CSF2RB):c.1996C>G (p.Pro666Ala)

Gene: CSF2RB (colony stimulating factor 2 receptor subunit beta; plus strand). Cytogenetic location: 22q12.3.
Variant type: single nucleotide variant.
Coding change: c.1996C>G on transcript NM_000395.3 (MANE Select); coding-DNA position 1996, C replaced by G.
Protein change: p.Pro666Ala; replaces proline 666 with alanine.
Molecular consequence: missense variant.
Genome position (GRCh38, 1-based): chr22:36,937,804, C>G. VCF-style: chr22-36937804-C-G. GRCh37 (hg19) VCF-style: chr22-37333846-C-G.
Other names: short protein forms P666A.
Identifiers: ClinVar variation 1513606 (VCV001513606.8), dbSNP rs1289798157, ClinGen allele CA411410620.

ClinVar aggregate classification (germline): Uncertain significance (1 of 4 stars; one submission).

Allele frequency attached by ClinVar (database versions not stated): TOPMed 0.00001.

Submission:

Labcorp Genetics (formerly Invitae), Labcorp
Classification: Uncertain significance. Last evaluated: 2022-02-03. Review status: criteria provided, single submitter. Criteria: Invitae Variant Classification Sherloc (09022015). Collection method: clinical testing. Allele origin: germline.
Comment: In summary, the available evidence is currently insufficient to determine the role of this variant in disease. Therefore, it has been classified as a Variant of Uncertain Significance. Algorithms developed to predict the effect of missense changes on protein structure and function output the following: SIFT: "Tolerated"; PolyPhen-2: "Benign"; Align-GVGD: "Class C0". The alanine amino acid residue is found in multiple mammalian species, which suggests that this missense change does not adversely affect protein function. This sequence change replaces proline, which is neutral and non-polar, with alanine, which is neutral and non-polar, at codon 666 of the CSF2RB protein (p.Pro666Ala). This variant is not present in population databases (gnomAD no frequency). This variant has not been reported in the literature in individuals affected with CSF2RB-related conditions.